The following is an entry in ClinVar:

NM_004260.4(RECQL4):c.1774C>T (p.Pro592Ser)

Gene: RECQL4 (RecQ like helicase 4; minus strand). Cytogenetic location: 8q24.3.
Variant type: single nucleotide variant.
Coding change: c.1774C>T on transcript NM_004260.4 (MANE Select); coding-DNA position 1774, C replaced by T.
Protein change: p.Pro592Ser; replaces proline 592 with serine.
Molecular consequence: missense variant.
Genome position (GRCh38, 1-based): chr8:144,514,293, G>A on the plus strand (C>T on the coding strand, the complement: RECQL4 is on the minus strand). VCF-style: chr8-144514293-G-A. GRCh37 (hg19) VCF-style: chr8-145739677-G-A.
Other names: short protein forms P592S.
Identifiers: ClinVar variation 576154 (VCV000576154.4), dbSNP rs1235051312, ClinGen allele CA372680992.

ClinVar aggregate classification (germline): Uncertain significance. Review status: criteria provided, multiple submitters, no conflicts (2 of 4 stars). 2 submissions from 2 submitters: Uncertain significance (2). Last evaluated 2025-04-07.

Conditions:
Baller-Gerold syndrome (BGS). Also called: CRANIOSYNOSTOSIS WITH RADIAL DEFECTS. Identifiers: Orphanet 1225, MedGen C0265308, MONDO:0009039, OMIM 218600.
Inborn genetic diseases. Identifiers: MedGen C0950123, MeSH D030342.

Allele frequency attached by ClinVar (database versions not stated): gnomAD exomes 0.00001.
gnomAD v4.1: 14 of 1,611,250 alleles (0.00087%); highest among the groups gnomAD compares: Non-Finnish European, 0.0011%; no homozygotes.

Submissions (2):

Ambry Genetics
Classification: Uncertain significance for Inborn genetic diseases. Last evaluated: 2025-04-07. Review status: criteria provided, single submitter. Criteria: Ambry Variant Classification Scheme 2023. Collection method: clinical testing. Allele origin: germline.
Comment: The p.P592S variant (also known as c.1774C>T), located in coding exon 11 of the RECQL4 gene, results from a C to T substitution at nucleotide position 1774. The proline at codon 592 is replaced by serine, an amino acid with similar properties. This amino acid position is conserved. In addition, this alteration is predicted to be tolerated by in silico analysis. Based on the available evidence, the clinical significance of this variant remains unclear.

Labcorp Genetics (formerly Invitae), Labcorp
Classification: Uncertain significance for Baller-Gerold syndrome. Last evaluated: 2022-11-04. Review status: criteria provided, single submitter. Criteria: Invitae Variant Classification Sherloc (09022015). Collection method: clinical testing. Allele origin: germline.
Comment: In summary, the available evidence is currently insufficient to determine the role of this variant in disease. Therefore, it has been classified as a Variant of Uncertain Significance. Advanced modeling of protein sequence and biophysical properties (such as structural, functional, and spatial information, amino acid conservation, physicochemical variation, residue mobility, and thermodynamic stability) performed at Invitae indicates that this missense variant is not expected to disrupt RECQL4 protein function. ClinVar contains an entry for this variant (Variation ID: 576154). This variant has not been reported in the literature in individuals affected with RECQL4-related conditions. This variant is present in population databases (no rsID available, gnomAD 0.003%). This sequence change replaces proline, which is neutral and non-polar, with serine, which is neutral and polar, at codon 592 of the RECQL4 protein (p.Pro592Ser).